The following is an entry in ClinVar:

NM_001354604.2(MITF):c.1040G>A (p.Arg347His)

Gene: MITF (melanocyte inducing transcription factor; plus strand). Cytogenetic location: 3p13.
Variant type: single nucleotide variant.
Coding change: c.1040G>A on transcript NM_001354604.2 (MANE Select); coding-DNA position 1040, G replaced by A.
Protein change: p.Arg347His; replaces arginine 347 with histidine.
Molecular consequence: missense variant.
Genome position (GRCh38, 1-based): chr3:69,959,281, G>A. VCF-style: chr3-69959281-G-A. GRCh37 (hg19) VCF-style: chr3-70008432-G-A.
Other names: c.719G>A, p.Arg240His (NM_000248.4); c.866G>A, p.Arg289His (NM_001184967.2, NM_001354608.2); c.1037G>A, p.Arg346His (NM_001354605.2); c.1019G>A, p.Arg340His (NM_001354606.2, NM_006722.3); c.971G>A, p.Arg324His (NM_001354607.2); c.701G>A, p.Arg234His (NM_198158.3); c.1022G>A, p.Arg341His (NM_198159.3); c.974G>A, p.Arg325His (NM_198177.3); and 1 more; short protein forms R240H, R341H, R346H, R178H, R234H, R289H, R340H, R324H.
Identifiers: ClinVar variation 505101 (VCV000505101.18), dbSNP rs1195515853, ClinGen allele CA353561889.

ClinVar aggregate classification (germline): Uncertain significance. Review status: criteria provided, multiple submitters, no conflicts (2 of 4 stars). 4 submissions from 4 submitters: Uncertain significance (3). 1 of the submissions does not count toward it. Last evaluated 2026-01-28.

Conditions:
MITF-related disorder. Also called: MITF-related condition.
Tietz syndrome (TADS). Also called: TIETZ ALBINISM-DEAFNESS SYNDROME; ALBINISM-DEAFNESS OF TIETZ; HYPOPIGMENTATION/DEAFNESS OF TIETZ. Identifiers: Orphanet 42665, MedGen C0391816, MONDO:0007077, OMIM 103500.
Melanoma, cutaneous malignant, susceptibility to, 8. Also called: Cutaneous malignant melanoma 8; MELANOMA AND RENAL CELL CARCINOMA, SUSCEPTIBILITY TO. Identifiers: Orphanet 293822, MedGen C3152204, MONDO:0013759, OMIM 614456.
Waardenburg syndrome type 2A (WS2A). Also called: WAARDENBURG SYNDROME WITHOUT DYSTOPIA CANTHORUM. Identifiers: Orphanet 3440, MedGen C1860339, MONDO:0008671, OMIM 193510.

Allele frequency attached by ClinVar (database versions not stated): gnomAD exomes below 0.00001 and 0.00002; TOPMed 0.00001.
gnomAD v4.1: 31 of 1,613,902 alleles (0.0019%); highest among the groups gnomAD compares: Non-Finnish European, 0.0024%; no homozygotes.

Submissions (4):

Labcorp Genetics (formerly Invitae), Labcorp
Classification: Uncertain significance for Melanoma, cutaneous malignant, susceptibility to, 8; Waardenburg syndrome type 2A; Tietz syndrome. Last evaluated: 2026-01-28. Review status: criteria provided, single submitter. Criteria: Invitae Variant Classification Sherloc (09022015). Collection method: clinical testing. Allele origin: germline.
Comment: This sequence change replaces arginine, which is basic and polar, with histidine, which is basic and polar, at codon 240 of the MITF protein (p.Arg240His). This variant is present in population databases (no rsID available, gnomAD 0.0009%). This missense change has been observed in individual(s) with non-syndromic hearing loss (PMID: 32728090). ClinVar contains an entry for this variant (Variation ID: 505101). Invitae Evidence Modeling of protein sequence and biophysical properties (such as structural, functional, and spatial information, amino acid conservation, physicochemical variation, residue mobility, and thermodynamic stability) indicates that this missense variant is expected to disrupt MITF protein function with a positive predictive value of 80%. Experimental studies have shown that this missense change affects MITF function (PMID: 32728090). In summary, the available evidence is currently insufficient to determine the role of this variant in disease. Therefore, it has been classified as a Variant of Uncertain Significance.

GeneDx
Classification: Uncertain significance. Last evaluated: 2023-09-07. Review status: criteria provided, single submitter. Criteria: GeneDx Variant Classification Process June 2021. Collection method: clinical testing. Allele origin: germline. Affected: yes.
Comment: Observed in homozygous state in three siblings with nonsyndromic hearing loss in the literature; heterozygous parents were unaffected; reported as c.1022G>A p.(R341H) using alternate nomenclature (Thongpradit et al., 2020); Published functional studies suggest a reduction of TYR promoter activity compared to wildtype and mislocalization of the resulting protein, however, the effect on downstream target genes was not assessed (Thongpradit et al., 2020); In silico analysis supports that this missense variant has a deleterious effect on protein structure/function; Not observed at significant frequency in large population cohorts (gnomAD); This variant is associated with the following publications: (PMID: 32728090)

Laboratory for Molecular Medicine, Mass General Brigham Personalized Medicine
Classification: Uncertain significance. Last evaluated: 2019-07-10. Review status: criteria provided, single submitter. Criteria: LMM Criteria. Collection method: clinical testing. Allele origin: germline. Observed: 2 variant alleles.
Comment: This variant was identified in 0.0008% (1/113036) of European chromosomes by gnomAD. Computational prediction tools and conservation analysis suggest that this variant may impact the protein, though this information is not predictive enough to determine pathogenicity. In summary, the clinical significance of the p.Arg240His variant is uncertain. ACMG/AMP Criteria applied: PM2, PP3.

PreventionGenetics, part of Exact Sciences
Classification: Uncertain significance for MITF-related condition. Last evaluated: 2024-08-06. Review status: no assertion criteria provided. Collection method: clinical testing. Allele origin: germline. Not counted in ClinVar's aggregate classification.
Comment: The MITF c.719G>A variant is predicted to result in the amino acid substitution p.Arg240His. This variant was reported in the homozygous state in three siblings from a consanguineous family with nonsyndromic hearing loss without pigmentation abnormalities (described as p.Arg341His, Thongpradit et al. 2020. PubMed ID: 32728090). Five heterozygous carriers in this family were reported to be asymptomatic. Functional studies showed that this variant results in reduced transcriptional activity and altered subcellular localization (Thongpradit et al. 2020. PubMed ID: 32728090). This variant is reported in 0.00088% of alleles in individuals of European (Non-Finnish) descent in gnomAD. Different nucleotide substitutions affecting the same amino acid (p.Arg240Gly and p.Arg240Cys) have been reported in the heterozygous state in four individuals with nonsyndromic hearing loss from three families but was also present in two unaffected family members, and in the homozygous state in one individual with Waardenburg syndrome (Thongpradit et al. 2020. PubMed ID: 32728090; Somashekar et al. 2019. PubMed ID: 30394532; described as c.1021C>G, Li et al. 2021. PubMed ID: 33724713; Zhang et al. 2018. PubMed ID: 29484430). This variant is interpreted as a variant of uncertain significance in ClinVar. Although we suspect that the c.719G>A (p.Arg240His) variant may be pathogenic, at this time, the clinical significance of this variant is uncertain due to the absence of conclusive functional and genetic evidence.

Literature cited by the submitters: PubMed 32728090 (cited by Labcorp Genetics (formerly Invitae), Labcorp); PubMed 29484430 (cited by Laboratory for Molecular Medicine, Mass General Brigham Personalized Medicine).